The following is an entry in ClinVar:

NM_024422.6(DSC2):c.489G>T (p.Thr163=)

Gene: DSC2 (desmocollin 2; minus strand). Cytogenetic location: 18q12.1.
Variant type: single nucleotide variant.
Coding change: c.489G>T on transcript NM_024422.6 (MANE Select); coding-DNA position 489, G replaced by T.
Protein change: p.Thr163=; no amino-acid change (threonine 163 retained).
Molecular consequence: synonymous variant.
Genome position (GRCh38, 1-based): chr18:31,089,580, C>A on the plus strand (G>T on the coding strand, the complement: DSC2 is on the minus strand). VCF-style: chr18-31089580-C-A. GRCh37 (hg19) VCF-style: chr18-28669543-C-A.
Other names: c.489G>T, p.Thr163= (NM_004949.5).
Identifiers: ClinVar variation 922635 (VCV000922635.3), dbSNP rs752952811, ClinGen allele CA503390560.
Genomic context (GRCh38, chr18:31,089,580, plus strand): 5'-CCGAGGTTCTTGGTCAACTCCAGGACCTCTTATGGAATAGTATATGGTATAGTTTTGGGC[C>A]GTGTCAGATTGAACCTAGAAAGTAGATATTATATACATGAGACAAATCTTTATTTCAGCA-3'
Protein context (NP_077740.1, residues 153-173): PLFLQQVQSD[Thr163=]AQNYTIYYSI

ClinVar aggregate classification (germline): Likely benign. Review status: criteria provided, multiple submitters, no conflicts (2 of 4 stars). 2 submissions from 2 submitters: Likely benign (2). Last evaluated 2023-10-27.

Conditions:
Familial isolated arrhythmogenic right ventricular dysplasia. Identifiers: Orphanet 217656, MedGen C4274968, MONDO:0016342.
Cardiomyopathy (CMYO). Also called: Cardiomyopathies. Identifiers: Orphanet 167848, MedGen C0878544, MONDO:0004994, HP:0001638. Inheritance: Various modes of inheritance.

Allele frequency attached by ClinVar (database versions not stated): TOPMed 0.00001.
gnomAD v4.1: 3 of 1,613,534 alleles (0.00019%); highest among the groups gnomAD compares: Non-Finnish European, 0.00025%; no homozygotes.

Submissions (2):

All of Us Research Program, National Institutes of Health
Classification: Likely benign for Familial isolated arrhythmogenic right ventricular dysplasia. Last evaluated: 2023-10-27. Review status: criteria provided, single submitter. Criteria: ACMG Guidelines, 2015. Collection method: clinical testing. Allele origin: germline. Inheritance: Autosomal dominant inheritance. Observed: 1 variant allele, 1 heterozygote.
Comment: This study involves interpretation of variants in research participants for the purpose of population health screening. Participant phenotype was not available at the time of variant classification. Additional details can be found in publication PMID: 35346344, PMCID: PMC8962531

Color Diagnostics, LLC DBA Color Health
Classification: Likely benign for Cardiomyopathy. Last evaluated: 2018-11-30. Review status: criteria provided, single submitter. Criteria: ACMG Guidelines, 2015. Collection method: clinical testing. Allele origin: germline.